The following is an entry in ClinVar:

ClinVar aggregate classification (germline): Conflicting classifications of pathogenicity. Review status: criteria provided, conflicting classifications (1 of 4 stars). 2 submissions from 2 submitters: Pathogenic (1); Uncertain significance (1). Last evaluated 2026-06-04.

Conditions:
46 XY differences of sex development. Also called: 46, XY disorder of sex development (DSD); 46,XY disorder of sex development. Identifiers: Orphanet 98085, MedGen C2751824, MONDO:0020040.
Oligosynaptic infertility (SPGF1). Also called: SPERMATOGENIC FAILURE 1; OLIGOCHIASMATIC INFERTILITY. Identifiers: MedGen C0403810, MONDO:0009776, OMIM 258150.

Submissions (2):

Stanford Starfish Project, Stanford University
Classification: Pathogenic for 46 XY differences of sex development. Last evaluated: 2026-06-04. Review status: criteria provided, single submitter. Criteria: ACMG Guidelines, 2015. Collection method: provider interpretation. Allele origin: maternal. Inheritance: Autosomal dominant inheritance. Affected: yes. Observed: 1 variant allele, 1 heterozygote.
Comment: This variant is predicted to result in the substitution of tyrosine by cysteine at amino acid 23 (p.Tyr23Cys). This variant is not present in large population databases. See Observation 1 for details on clinical features.

Labcorp Genetics (formerly Invitae), Labcorp
Classification: Uncertain significance for 46 XY differences of sex development; Oligosynaptic infertility. Last evaluated: 2020-05-15. Review status: criteria provided, single submitter. Criteria: Invitae Variant Classification Sherloc (09022015). Collection method: clinical testing. Allele origin: germline.
Comment: This variant has not been reported in the literature in individuals with NR5A1-related conditions. This variant is not present in population databases (ExAC no frequency). This sequence change replaces tyrosine with cysteine at codon 23 of the NR5A1 protein (p.Tyr23Cys). The tyrosine residue is moderately conserved and there is a large physicochemical difference between tyrosine and cysteine. Algorithms developed to predict the effect of missense changes on protein structure and function are either unavailable or do not agree on the potential impact of this missense change (SIFT: "Deleterious"; PolyPhen-2: "Probably Damaging"; Align-GVGD: "Class C0"). In summary, the available evidence is currently insufficient to determine the role of this variant in disease. Therefore, it has been classified as a Variant of Uncertain Significance.

NM_004959.5(NR5A1):c.68A>G (p.Tyr23Cys)

Gene: NR5A1 (nuclear receptor subfamily 5 group A member 1; minus strand). Cytogenetic location: 9q33.3.
Variant type: single nucleotide variant.
Coding change: c.68A>G on transcript NM_004959.5 (MANE Select); coding-DNA position 68, A replaced by G.
Protein change: p.Tyr23Cys; replaces tyrosine 23 with cysteine.
Molecular consequence: missense variant.
Genome position (GRCh38, 1-based): chr9:124,503,328, T>C on the plus strand (A>G on the coding strand, the complement: NR5A1 is on the minus strand). VCF-style: chr9-124503328-T-C. GRCh37 (hg19) VCF-style: chr9-127265607-T-C.
Other names: c.68A>G (NM_004959.4); short protein forms Y23C.
Identifiers: ClinVar variation 1061468 (VCV001061468.10), dbSNP rs2131289985, ClinGen allele CA374890713.
Genomic context (GRCh38, chr9:124,503,328, plus strand): 5'-ACCCCTGCCGCGCGCTCGCCGCTCACCTTGCAGCTCTCACACGTGAGCAGTCCGTAGTGG[T>C]AGCCGGACACCTTGTCCCCGCACACGGGGCACAGCTCGTCCAGGTCCTCGTCGTACGAAT-3'
Protein context (NP_004950.2, residues 13-33): CPVCGDKVSG[Tyr23Cys]HYGLLTCESC